The following is an entry in ClinVar:

NM_002206.3(ITGA7):c.3221C>T (p.Thr1074Ile)

Gene: ITGA7 (integrin subunit alpha 7; minus strand). Cytogenetic location: 12q13.2.
Variant type: single nucleotide variant.
Coding change: c.3221C>T on transcript NM_002206.3 (MANE Select); coding-DNA position 3221, C replaced by T.
Protein change: p.Thr1074Ile; replaces threonine 1074 with isoleucine.
Molecular consequence: missense variant.
Genome position (GRCh38, 1-based): chr12:55,685,251, G>A on the plus strand (C>T on the coding strand, the complement: ITGA7 is on the minus strand). VCF-style: chr12-55685251-G-A. GRCh37 (hg19) VCF-style: chr12-56079035-G-A.
Other names: c.3233C>T, p.Thr1078Ile (NM_001144996.2); c.2942C>T, p.Thr981Ile (NM_001144997.2); c.2894C>T, p.Thr965Ile (NM_001367993.1); c.1877C>T, p.Thr626Ile (NM_001367994.1); c.3203C>T, p.Thr1068Ile (NM_001374465.1); c.3353C>T, p.Thr1118Ile (NM_001410977.1); c.3215C>T, p.Thr1072Ile (NM_001414029.1); c.3146C>T, p.Thr1049Ile (NM_001414030.1); and 5 more; short protein forms T1013I, T965I, T981I, T1034I, T1049I, T1068I, T1118I, T626I.
Identifiers: ClinVar variation 2081208 (VCV002081208.4), dbSNP rs1161262544, ClinGen allele CA385180343.

ClinVar aggregate classification (germline): Uncertain significance (1 of 4 stars; one submission).

Conditions:
Congenital muscular dystrophy due to integrin alpha-7 deficiency. Also called: MYOPATHY, CONGENITAL, DUE TO INTEGRIN ALPHA-7 DEFICIENCY; Congenital muscular dystrophy with integrin alpha-7 deficiency; Muscular dystrophy, congenital, due to ITGA7 deficiency. Identifiers: Orphanet 34520, MedGen C2750786, MONDO:0013177, OMIM 613204.

Allele frequency attached by ClinVar (database versions not stated): gnomAD exomes below 0.00001.
gnomAD v4.1: 2 of 1,614,230 alleles (0.00012%); highest among the groups gnomAD compares: African/African-American, 0.0013%; no homozygotes.

Submission:

Labcorp Genetics (formerly Invitae), Labcorp
Classification: Uncertain significance for Congenital muscular dystrophy due to integrin alpha-7 deficiency. Last evaluated: 2022-01-12. Review status: criteria provided, single submitter. Criteria: Invitae Variant Classification Sherloc (09022015). Collection method: clinical testing. Allele origin: germline.
Comment: This sequence change replaces threonine, which is neutral and polar, with isoleucine, which is neutral and non-polar, at codon 1074 of the ITGA7 protein (p.Thr1074Ile). This variant is not present in population databases (gnomAD no frequency). This variant has not been reported in the literature in individuals affected with ITGA7-related conditions. Algorithms developed to predict the effect of missense changes on protein structure and function (SIFT, PolyPhen-2, Align-GVGD) all suggest that this variant is likely to be tolerated. In summary, the available evidence is currently insufficient to determine the role of this variant in disease. Therefore, it has been classified as a Variant of Uncertain Significance.